The following is an entry in ClinVar:

NM_181332.3(NLGN4X):c.1460C>T (p.Ser487Leu)

Gene: NLGN4X (neuroligin 4 X-linked; minus strand). Cytogenetic location: Xp22.32.
Variant type: single nucleotide variant.
Coding change: c.1460C>T on transcript NM_181332.3 (MANE Select); coding-DNA position 1460, C replaced by T.
Protein change: p.Ser487Leu; replaces serine 487 with leucine.
Molecular consequence: missense variant.
Genome position (GRCh38, 1-based): chrX:5,903,218, G>A on the plus strand (C>T on the coding strand, the complement: NLGN4X is on the minus strand). VCF-style: chrX-5903218-G-A. GRCh37 (hg19) VCF-style: chrX-5821259-G-A.
Other names: c.1460C>T, p.Ser487Leu (NM_001282145.2, NM_001282146.2, NM_001441322.1 and 4 more transcripts); short protein forms S487L.
Identifiers: ClinVar variation 4282183 (VCV004282183.1).

ClinVar aggregate classification (germline): Uncertain significance (1 of 4 stars; one submission).

Submission:

GeneDx
Classification: Uncertain significance. Last evaluated: 2025-04-16. Review status: criteria provided, single submitter. Criteria: GeneDx Variant Classification Process June 2021. Collection method: clinical testing. Allele origin: germline. Affected: yes.
Comment: Not observed at significant frequency in large population cohorts (gnomAD); In silico analysis supports that this missense variant has a deleterious effect on protein structure/function; Has not been previously published as pathogenic or benign to our knowledge